The following is an entry in ClinVar:

NM_003482.4(KMT2D):c.4895C>A (p.Ser1632Ter)

Gene: KMT2D (lysine methyltransferase 2D; minus strand). Cytogenetic location: 12q13.12.
Variant type: single nucleotide variant.
Coding change: c.4895C>A on transcript NM_003482.4 (MANE Select); coding-DNA position 4895, C replaced by A.
Protein change: p.Ser1632Ter; replaces serine 1632 with a stop codon.
Molecular consequence: nonsense.
Genome position (GRCh38, 1-based): chr12:49,044,812, G>T on the plus strand (C>A on the coding strand, the complement: KMT2D is on the minus strand). VCF-style: chr12-49044812-G-T. GRCh37 (hg19) VCF-style: chr12-49438595-G-T.
Other names: short protein forms S1632*.
Identifiers: ClinVar variation 3655496 (VCV003655496.2).

ClinVar aggregate classification (germline): Pathogenic (1 of 4 stars; one submission).

Conditions:
Kabuki syndrome. Also called: Kabuki make-up syndrome; NIIKAWA-KUROKI SYNDROME. Identifiers: Orphanet 2322, MedGen C0796004, MONDO:0016512.

Submission:

Labcorp Genetics (formerly Invitae), Labcorp
Classification: Pathogenic for Kabuki syndrome. Last evaluated: 2024-06-04. Review status: criteria provided, single submitter. Criteria: Invitae Variant Classification Sherloc (09022015). Collection method: clinical testing. Allele origin: germline.
Comment: This sequence change creates a premature translational stop signal (p.Ser1632*) in the KMT2D gene. It is expected to result in an absent or disrupted protein product. Loss-of-function variants in KMT2D are known to be pathogenic (PMID: 22126750). This variant is not present in population databases (gnomAD no frequency). This premature translational stop signal has been observed in individual(s) with Kabuki syndrome (PMID: 30107592). For these reasons, this variant has been classified as Pathogenic.

Literature cited by the submitters: PubMed 22126750; PubMed 30107592.